The following is an entry in ClinVar:

ClinVar aggregate classification (germline): Likely benign (0 of 4 stars; one submission).

Conditions:
KSR2-related disorder. Also called: KSR2-related condition.

Allele frequency attached by ClinVar (database versions not stated): gnomAD exomes 0.00001; ExAC 0.00003; TOPMed 0.00003.
gnomAD v4.1: 7 of 1,613,810 alleles (0.00043%); highest among the groups gnomAD compares: African/African-American, 0.0067%; no homozygotes.

Submission:

PreventionGenetics, part of Exact Sciences
Classification: Likely benign for KSR2-related condition. Last evaluated: 2020-11-17. Review status: no assertion criteria provided. Collection method: clinical testing. Allele origin: germline.
Comment: This variant is classified as likely benign based on ACMG/AMP sequence variant interpretation guidelines (Richards et al. 2015 PMID: 25741868, with internal and published modifications).

NM_173598.6(KSR2):c.1394-5T>C

Gene: KSR2 (kinase suppressor of ras 2; minus strand). Cytogenetic location: 12q24.22.
Variant type: single nucleotide variant.
Coding change: c.1394-5T>C on transcript NM_173598.6 (MANE Select); 5 bases into the intron before coding-DNA position 1394, T replaced by C.
Molecular consequence: intron variant.
Genome position (GRCh38, 1-based): chr12:117,555,298, A>G on the plus strand (T>C on the coding strand, the complement: KSR2 is on the minus strand). VCF-style: chr12-117555298-A-G. GRCh37 (hg19) VCF-style: chr12-117993103-A-G.
Identifiers: ClinVar variation 3035161 (VCV003035161.2), dbSNP rs769230153, ClinGen allele CA6816023.
Genomic context (GRCh38, chr12:117,555,298, plus strand): 5'-TAGAGGGTTGTTGATGTCACACGGAACGGACTCTGTCCGGACTAACCTTGCTGGATCCGT[A>G]GGGGTAAAAACATTGATTTGGGAGTTTAAGTATCACTTTGTCTTTGGTTATGCCAGGACG-3'